The following is an entry in ClinVar:

NM_177986.5(DSG4):c.1224T>A (p.Leu408=)

Genes: DSG1-AS1 (DSG1 antisense RNA 1; minus strand), DSG4 (desmoglein 4; plus strand). Cytogenetic location: 18q12.1.
Variant type: single nucleotide variant.
Coding change: c.1224T>A on transcript NM_177986.5 (MANE Select); coding-DNA position 1224, T replaced by A.
Protein change: p.Leu408=; no amino-acid change (leucine 408 retained).
Molecular consequence: synonymous variant.
Genome position (GRCh38, 1-based): chr18:31,399,490, T>A. VCF-style: chr18-31399490-T-A. GRCh37 (hg19) VCF-style: chr18-28979453-T-A.
Other names: c.1224T>A, p.Leu408= (NM_001134453.3).
Identifiers: ClinVar variation 3039571 (VCV003039571.2), dbSNP rs2510867090, ClinGen allele CA503764008.

ClinVar aggregate classification (germline): Likely benign (0 of 4 stars; one submission).

Conditions:
DSG4-related disorder. Also called: DSG4-related condition.

Submission:

PreventionGenetics, part of Exact Sciences
Classification: Likely benign for DSG4-related condition. Last evaluated: 2020-05-11. Review status: no assertion criteria provided. Collection method: clinical testing. Allele origin: germline.
Comment: This variant is classified as likely benign based on ACMG/AMP sequence variant interpretation guidelines (Richards et al. 2015 PMID: 25741868, with internal and published modifications).